The following is an entry in ClinVar:

NM_000038.6(APC):c.7490C>G (p.Ser2497Trp)

Gene: APC (APC regulator of Wnt signaling pathway; plus strand). Cytogenetic location: 5q22.2.
Variant type: single nucleotide variant.
Coding change: c.7490C>G on transcript NM_000038.6 (MANE Select); coding-DNA position 7490, C replaced by G.
Protein change: p.Ser2497Trp; replaces serine 2497 with tryptophan.
Molecular consequence: missense variant.
Genome position (GRCh38, 1-based): chr5:112,843,084, C>G. VCF-style: chr5-112843084-C-G. GRCh37 (hg19) VCF-style: chr5-112178781-C-G.
Other names: c.7490C>G, p.Ser2497Trp (NM_001127510.3, NM_001354895.2); c.7436C>G, p.Ser2479Trp (NM_001127511.3); c.7544C>G, p.Ser2515Trp (NM_001354896.2); c.7520C>G, p.Ser2507Trp (NM_001354897.2); c.7415C>G, p.Ser2472Trp (NM_001354898.2); c.7406C>G, p.Ser2469Trp (NM_001354899.2); c.7367C>G, p.Ser2456Trp (NM_001354900.2); c.7313C>G, p.Ser2438Trp (NM_001354901.2); and 5 more; short protein forms S2479W, S2497W, S2472W, S2396W, S2438W, S2469W, S2337W, S2371W.
Identifiers: ClinVar variation 487060 (VCV000487060.19), dbSNP rs141010008, ClinGen allele CA16037624.

ClinVar aggregate classification (germline): Uncertain significance. Review status: criteria provided, multiple submitters, no conflicts (2 of 4 stars). 3 submissions from 3 submitters: Uncertain significance (3). Last evaluated 2025-09-03.

Conditions:
Hereditary cancer-predisposing syndrome. Also called: Tumor predisposition; Hereditary Cancer Syndrome; Hereditary neoplastic syndrome; Neoplastic Syndromes, Hereditary. Identifiers: Orphanet 140162, MedGen C0027672, MeSH D009386, MONDO:0015356.
Familial adenomatous polyposis 1 (FAP1). Also called: FAMILIAL ADENOMATOUS POLYPOSIS 1, ATTENUATED; POLYPOSIS, ADENOMATOUS INTESTINAL. Identifiers: MedGen C2713442, MONDO:0021056, OMIM 175100. Disease mechanism: loss of function.

gnomAD v4.1: 4 of 1,613,976 alleles (0.00025%); highest among the groups gnomAD compares: Admixed American, 0.0017%; no homozygotes.

Submissions (3):

Color Diagnostics, LLC DBA Color Health
Classification: Uncertain significance for Hereditary cancer-predisposing syndrome. Last evaluated: 2025-09-03. Review status: criteria provided, single submitter. Criteria: ACMG Guidelines, 2015. Collection method: clinical testing. Allele origin: germline.
Comment: This missense variant replaces serine with tryptophan at codon 2497 of the APC protein. Computational prediction suggests that this variant may not impact protein structure and function. APC is defined as a gene for which primarily truncating variants are known to cause disease (ClinGen HCCP VCEP). To our knowledge, functional studies have not been reported for this variant. This variant has not been reported in individuals affected with APC-related disorders in the literature. This variant has not been identified in the general population by the Genome Aggregation Database (gnomAD). The available evidence is insufficient to determine the role of this variant in disease conclusively. Therefore, this variant is classified as a Variant of Uncertain Significance.

Ambry Genetics
Classification: Uncertain significance for Hereditary cancer-predisposing syndrome. Last evaluated: 2022-12-20. Review status: criteria provided, single submitter. Criteria: Ambry Variant Classification Scheme 2023. Collection method: clinical testing. Allele origin: germline.
Comment: The p.S2497W variant (also known as c.7490C>G), located in coding exon 15 of the APC gene, results from a C to G substitution at nucleotide position 7490. The serine at codon 2497 is replaced by tryptophan, an amino acid with highly dissimilar properties. This amino acid position is not well conserved in available vertebrate species. In addition, in silico predictors for this gene do not accurately predict pathogenicity. Since supporting evidence is limited at this time, the clinical significance of this alteration remains unclear.

Labcorp Genetics (formerly Invitae), Labcorp
Classification: Uncertain significance for Familial adenomatous polyposis 1. Last evaluated: 2022-10-13. Review status: criteria provided, single submitter. Criteria: Invitae Variant Classification Sherloc (09022015). Collection method: clinical testing. Allele origin: germline.
Comment: ClinVar contains an entry for this variant (Variation ID: 487060). This variant has not been reported in the literature in individuals affected with APC-related conditions. This variant is not present in population databases (gnomAD no frequency). This sequence change replaces serine, which is neutral and polar, with tryptophan, which is neutral and slightly polar, at codon 2497 of the APC protein (p.Ser2497Trp). Advanced modeling of protein sequence and biophysical properties (such as structural, functional, and spatial information, amino acid conservation, physicochemical variation, residue mobility, and thermodynamic stability) performed at Invitae indicates that this missense variant is not expected to disrupt APC protein function. In summary, the available evidence is currently insufficient to determine the role of this variant in disease. Therefore, it has been classified as a Variant of Uncertain Significance.